The following is an entry in ClinVar:

ClinVar aggregate classification (germline): Likely pathogenic (1 of 4 stars; one submission).

Conditions:
Inborn genetic diseases. Identifiers: MedGen C0950123, MeSH D030342.

Submission:

Ambry Genetics
Classification: Likely pathogenic for Inborn genetic diseases. Last evaluated: 2024-12-31. Review status: criteria provided, single submitter. Criteria: Ambry Variant Classification Scheme 2023. Collection method: clinical testing. Allele origin: germline.
Comment: The c.1816C>T (p.Q606*) alteration, located in exon 14 (coding exon 13) of the RAD21 gene, consists of a C to T substitution at nucleotide position 1816. This changes the amino acid from a glutamine (Q) to a stop codon at amino acid position 606. This alteration is not expected to trigger nonsense-mediated mRNA decay, and impacts the last 4.1% of the protein. Premature stop codons are typically deleterious in nature and a significant portion of the protein is affected (Ambry internal data). This variant was not reported in population-based cohorts in the Genome Aggregation Database (gnomAD). Based on the available evidence, this alteration is classified as likely pathogenic.

NM_006265.3(RAD21):c.1816C>T (p.Gln606Ter)

Gene: RAD21 (RAD21 cohesin complex component; minus strand). Cytogenetic location: 8q24.11.
Variant type: single nucleotide variant.
Coding change: c.1816C>T on transcript NM_006265.3 (MANE Select); coding-DNA position 1816, C replaced by T.
Protein change: p.Gln606Ter; replaces glutamine 606 with a stop codon.
Molecular consequence: nonsense.
Genome position (GRCh38, 1-based): chr8:116,847,580, G>A on the plus strand (C>T on the coding strand, the complement: RAD21 is on the minus strand). VCF-style: chr8-116847580-G-A. GRCh37 (hg19) VCF-style: chr8-117859819-G-A.
Other names: short protein forms Q606*.
Identifiers: ClinVar variation 3786259 (VCV003786259.1).